The following is an entry in ClinVar:

ClinVar aggregate classification (germline): Pathogenic (1 of 4 stars; one submission).

gnomAD v4.1: 9 of 1,609,644 alleles (0.00056%); highest among the groups gnomAD compares: South Asian, 0.0033%; no homozygotes.

Submission:

Labcorp Genetics (formerly Invitae), Labcorp
Classification: Pathogenic. Last evaluated: 2026-01-15. Review status: criteria provided, single submitter. Criteria: Invitae Variant Classification Sherloc (09022015). Collection method: clinical testing. Allele origin: germline.
Comment: This sequence change creates a premature translational stop signal (p.Arg418*) in the MIPEP gene. It is expected to result in an absent or disrupted protein product. Loss-of-function variants in MIPEP are known to be pathogenic (PMID: 27799064, 34620555). This variant is not present in population databases (gnomAD no frequency). This variant has not been reported in the literature in individuals affected with MIPEP-related conditions. Algorithms developed to predict the effect of sequence changes on RNA splicing suggest that this variant may disrupt the consensus splice site. For these reasons, this variant has been classified as Pathogenic.

Literature cited by the submitters: PubMed 27799064; PubMed 34620555.

NM_005932.4(MIPEP):c.1252C>T (p.Arg418Ter)

Gene: MIPEP (mitochondrial intermediate peptidase; minus strand). Cytogenetic location: 13q12.12.
Variant type: single nucleotide variant.
Coding change: c.1252C>T on transcript NM_005932.4 (MANE Select); coding-DNA position 1252, C replaced by T.
Protein change: p.Arg418Ter; replaces arginine 418 with a stop codon.
Molecular consequence: nonsense.
Genome position (GRCh38, 1-based): chr13:23,841,343, G>A on the plus strand (C>T on the coding strand, the complement: MIPEP is on the minus strand). VCF-style: chr13-23841343-G-A. GRCh37 (hg19) VCF-style: chr13-24415482-G-A.
Other names: short protein forms R418*.
Identifiers: ClinVar variation 4772625 (VCV004772625.1).